The following is an entry in ClinVar:

ClinVar aggregate classification (germline): Uncertain significance (1 of 4 stars; one submission).

Conditions:
Familial hemophagocytic lymphohistiocytosis 2 (FHL2). Also called: PRF1-Related Familial Hemophagocytic Lymphohistiocytosis (PRF1-fHLH). Identifiers: Orphanet 540, MedGen C1863727, MONDO:0011337, OMIM 603553.

Submission:

Labcorp Genetics (formerly Invitae), Labcorp
Classification: Uncertain significance for Familial hemophagocytic lymphohistiocytosis 2. Last evaluated: 2022-03-29. Review status: criteria provided, single submitter. Criteria: Invitae Variant Classification Sherloc (09022015). Collection method: clinical testing. Allele origin: germline.
Comment: This sequence change replaces alanine, which is neutral and non-polar, with valine, which is neutral and non-polar, at codon 274 of the PRF1 protein (p.Ala274Val). The frequency data for this variant in the population databases is considered unreliable, as metrics indicate poor data quality at this position in the gnomAD database. This variant has not been reported in the literature in individuals affected with PRF1-related conditions. Algorithms developed to predict the effect of missense changes on protein structure and function are either unavailable or do not agree on the potential impact of this missense change (SIFT: "Not Available"; PolyPhen-2: "Benign"; Align-GVGD: "Not Available"). In summary, the available evidence is currently insufficient to determine the role of this variant in disease. Therefore, it has been classified as a Variant of Uncertain Significance.

NM_001083116.3(PRF1):c.821_822delinsTT (p.Ala274Val)

Gene: PRF1 (perforin 1; minus strand). Cytogenetic location: 10q22.1.
Variant type: Indel.
Coding change: c.821_822delinsTT on transcript NM_001083116.3 (MANE Select); coding-DNA positions 821 to 822, CC replaced by TT.
Protein change: p.Ala274Val; replaces alanine 274 with valine.
Molecular consequence: missense variant.
Genome position (GRCh38, 1-based): chr10:70,598,899-70,598,900, GG replaced by AA on the plus strand (CC replaced by TT on the coding strand, the reverse complement: PRF1 is on the minus strand). VCF-style: chr10-70598899-GG-AA. GRCh37 (hg19) VCF-style: chr10-72358655-GG-AA.
Other names: c.821_822delinsTT, p.Ala274Val (NM_005041.6); short protein forms A274V.
Identifiers: ClinVar variation 2176312 (VCV002176312.1), dbSNP rs2493484408, ClinGen allele CA2580081801.
Genomic context (GRCh38, chr10:70,598,899, plus strand): 5'-TTGGTGGAAGGAGGCCGTCATCTTGTGCTTCTTCTTCTTCTCCTCACAGGCCTTGGCTTC[GG>AA]CAGAGATGCTGCCGTGGATGCCTATGTTGACCTGGGCCTCGACAGTCAGGCAGTCCTCCA-3'
Protein context (NP_001076585.1, residues 264-284): VNIGIHGSIS[Ala274Val]EAKACEEKKK